The following is an entry in ClinVar:

NM_004656.4(BAP1):c.2159G>A (p.Arg720His)

Gene: BAP1 (BRCA1 associated deubiquitinase 1; minus strand). Cytogenetic location: 3p21.1.
Variant type: single nucleotide variant.
Coding change: c.2159G>A on transcript NM_004656.4 (MANE Select); coding-DNA position 2159, G replaced by A.
Protein change: p.Arg720His; replaces arginine 720 with histidine.
Molecular consequence: missense variant.
Genome position (GRCh38, 1-based): chr3:52,402,319, C>T on the plus strand (G>A on the coding strand, the complement: BAP1 is on the minus strand). VCF-style: chr3-52402319-C-T. GRCh37 (hg19) VCF-style: chr3-52436335-C-T.
Other names: c.2159G>A (NM_004656.2); short protein forms R720H.
Identifiers: ClinVar variation 651100 (VCV000651100.10), dbSNP rs776746400, ClinGen allele CA2436582.

ClinVar aggregate classification (germline): Conflicting classifications of pathogenicity. Review status: criteria provided, conflicting classifications (1 of 4 stars). 2 submissions from 2 submitters: Uncertain significance (1); Benign (1). Last evaluated 2026-01-10.

Conditions:
BAP1-related tumor predisposition syndrome (TPDS1). Also called: BAP1 tumor predisposition syndrome; Tumor susceptibility linked to germline BAP1 mutations; COMMON Syndrome; TUMOR PREDISPOSITION SYNDROME 1. Identifiers: Orphanet 289539, MedGen C3280492, MONDO:0013692, OMIM 614327.
Hereditary cancer-predisposing syndrome. Also called: Neoplastic Syndromes, Hereditary; Tumor predisposition; Hereditary Cancer Syndrome; Hereditary neoplastic syndrome. Identifiers: Orphanet 140162, MedGen C0027672, MeSH D009386, MONDO:0015356.

Allele frequency attached by ClinVar (database versions not stated): gnomAD exomes below 0.00001; ExAC 0.00002.
gnomAD v4.1: 2 of 1,595,786 alleles (0.00013%); highest among the groups gnomAD compares: African/African-American, 0.0013%; no homozygotes.

Submissions (2):

Labcorp Genetics (formerly Invitae), Labcorp
Classification: Uncertain significance for BAP1-related tumor predisposition syndrome. Last evaluated: 2026-01-10. Review status: criteria provided, single submitter. Criteria: Invitae Variant Classification Sherloc (09022015). Collection method: clinical testing. Allele origin: germline.
Comment: This sequence change replaces arginine, which is basic and polar, with histidine, which is basic and polar, at codon 720 of the BAP1 protein (p.Arg720His). The frequency data for this variant in the population databases is considered unreliable, as metrics indicate poor data quality at this position in the gnomAD database. This variant has not been reported in the literature in individuals affected with BAP1-related conditions. ClinVar contains an entry for this variant (Variation ID: 651100). Invitae Evidence Modeling of protein sequence and biophysical properties (such as structural, functional, and spatial information, amino acid conservation, physicochemical variation, residue mobility, and thermodynamic stability) indicates that this missense variant is expected to disrupt BAP1 protein function with a positive predictive value of 80%. In summary, the available evidence is currently insufficient to determine the role of this variant in disease. Therefore, it has been classified as a Variant of Uncertain Significance.

Ambry Genetics
Classification: Benign for Hereditary cancer-predisposing syndrome. Last evaluated: 2025-06-12. Review status: criteria provided, single submitter. Criteria: Ambry Variant Classification Scheme 2023. Collection method: clinical testing. Allele origin: germline.

Literature cited by the submitters: PubMed 38969833 (cited by Ambry Genetics).